The following is an entry in ClinVar:

GRCh37/hg19 9p24.3-22.2(chr9:2079051-17236505)x1

Genes: AK3 (adenylate kinase 3; minus strand), BNC2 (basonuclin zinc finger protein 2; minus strand), BRD10 (bromodomain containing 10; minus strand), CCDC171 (coiled-coil domain containing 171; plus strand), CD274 (CD274 molecule; plus strand) and 41 more. Cytogenetic location: 9p24.3-22.2.
Variant type: copy number loss.
Change: copy number 1 (one copy instead of two) of chr9:2,079,051-17,236,505 (15.16 Mb, GRCh37 coordinates, 1-based), cytogenetic band 9p24.3-22.2.
Identifiers: ClinVar variation 4682739 (VCV004682739.1).

ClinVar aggregate classification (germline): Pathogenic (1 of 4 stars; one submission).

Submission:

Quest Diagnostics Nichols Institute San Juan Capistrano
Classification: Pathogenic. Last evaluated: 2024-10-11. Review status: criteria provided, single submitter. Criteria: ACMG/ClinGen CNV Guidelines, 2019. Collection method: clinical testing. Allele origin: unknown.
Comment: This copy number loss involves at least 45 protein-coding genes. Deletions that span this 9p24.3p22.2 region have been identified in individuals with various phenotypic features (Firth 2009, Hauge 2008, Sahoo 2011, Schanze 2018, Shimojima 2009); features vary depending on which cytobands are involved in the deletion. Thus, this copy number variant is classified as pathogenic. References: Firth et al., Am J Hum Genet. 2009 Apr;84(4):524-33. PMID: 19344873 Hauge et al., Genet Med. 2008 Aug;10(8):599-611. PMID: 18641517 Sahoo et al., Genet Med. 2011 Oct;13(10):868-80. PMID: 21792059 Schanze et al., Am J Hum Genet. 2018 Nov 1;103(5):752-768. PMID: 30388402 Shimojima et al., Am J Med Genet A. 2009 May;149A(5):1076-80. PMID: 19396833